The following is an entry in ClinVar:

ClinVar aggregate classification (germline): Uncertain significance (1 of 4 stars; one submission).

Conditions:
MRTFB-related disorder. Also called: MRTFB-Related Disorders; MRTFB related condition.

gnomAD v4.1: 1 of 1,614,166 alleles (0.000062%); highest among the groups gnomAD compares: Non-Finnish European, 0.000085%; no homozygotes.

Submission:

PreventionGenetics, part of Exact Sciences
Classification: Uncertain significance for MRTFB-related condition. Last evaluated: 2025-04-09. Review status: criteria provided, single submitter. Criteria: ACMG Guidelines, 2015. Collection method: clinical testing. Allele origin: germline.
Comment: The MRTFB c.2861C>T variant is predicted to result in the amino acid substitution p.Ser954Phe. To our knowledge, this variant has not been reported in the literature or in a large population database (gnomAD), indicating this variant is rare. At this time, the clinical significance of this variant is uncertain due to the absence of conclusive functional and genetic evidence.

NM_001308142.2(MRTFB):c.2861C>T (p.Ser954Phe)

Gene: MRTFB (myocardin related transcription factor B; plus strand). Cytogenetic location: 16p13.12.
Variant type: single nucleotide variant.
Coding change: c.2861C>T on transcript NM_001308142.2 (MANE Select); coding-DNA position 2861, C replaced by T.
Protein change: p.Ser954Phe; replaces serine 954 with phenylalanine.
Molecular consequence: missense variant.
Genome position (GRCh38, 1-based): chr16:14,261,005, C>T. VCF-style: chr16-14261005-C-T. GRCh37 (hg19) VCF-style: chr16-14354862-C-T.
Other names: c.2828C>T, p.Ser943Phe (NM_001365411.2); c.2723C>T, p.Ser908Phe (NM_001365412.2); c.2648C>T, p.Ser883Phe (NM_001365413.2); c.2498C>T, p.Ser833Phe (NM_001365414.2); c.2711C>T, p.Ser904Phe (NM_014048.4); short protein forms S904F, S943F, S908F, S883F, S833F, S954F.
Identifiers: ClinVar variation 4985511 (VCV004985511.1).